The following is an entry in ClinVar:

ClinVar aggregate classification (germline): Uncertain significance (1 of 4 stars; one submission).

Conditions:
Primary ciliary dyskinesia 23 (CILD23). Also called: CILIARY DYSKINESIA, PRIMARY, 23, WITH OR WITHOUT SITUS INVERSUS. Identifiers: Orphanet 244, MedGen C3809548, MONDO:0014193, OMIM 615451.

Allele frequency attached by ClinVar (database versions not stated): gnomAD exomes 0.00002; TOPMed 0.00003; ExAC 0.00005; gnomAD 0.00007.

Submission:

Labcorp Genetics (formerly Invitae), Labcorp
Classification: Uncertain significance for Primary ciliary dyskinesia 23. Last evaluated: 2022-05-20. Review status: criteria provided, single submitter. Criteria: Invitae Variant Classification Sherloc (09022015). Collection method: clinical testing. Allele origin: germline.
Comment: This sequence change replaces alanine, which is neutral and non-polar, with valine, which is neutral and non-polar, at codon 982 of the ARMC4 protein (p.Ala982Val). This variant is present in population databases (rs758192226, gnomAD 0.008%). This variant has not been reported in the literature in individuals affected with ARMC4-related conditions. Algorithms developed to predict the effect of missense changes on protein structure and function are either unavailable or do not agree on the potential impact of this missense change (SIFT: "Deleterious"; PolyPhen-2: "Possibly Damaging"; Align-GVGD: "Class C0"). Algorithms developed to predict the effect of sequence changes on RNA splicing suggest that this variant may create or strengthen a splice site. In summary, the available evidence is currently insufficient to determine the role of this variant in disease. Therefore, it has been classified as a Variant of Uncertain Significance.

NM_018076.5(ODAD2):c.2945C>T (p.Ala982Val)

Gene: ODAD2 (outer dynein arm docking complex subunit 2; minus strand). Cytogenetic location: 10p12.1.
Variant type: single nucleotide variant.
Coding change: c.2945C>T on transcript NM_018076.5 (MANE Select); coding-DNA position 2945, C replaced by T.
Protein change: p.Ala982Val; replaces alanine 982 with valine.
Molecular consequence: missense variant.
Genome position (GRCh38, 1-based): chr10:27,860,701, G>A on the plus strand (C>T on the coding strand, the complement: ODAD2 is on the minus strand). VCF-style: chr10-27860701-G-A. GRCh37 (hg19) VCF-style: chr10-28149630-G-A.
Other names: c.2945C>T, p.Ala982Val (NM_001290020.2); c.1520C>T, p.Ala507Val (NM_001290021.2); c.2021C>T, p.Ala674Val (NM_001312689.2); short protein forms A674V, A507V, A982V.
Identifiers: ClinVar variation 2152972 (VCV002152972.1), dbSNP rs758192226, ClinGen allele CA5453057.